The following is an entry in ClinVar:

ClinVar aggregate classification (germline): Uncertain significance. Review status: criteria provided, multiple submitters, no conflicts (2 of 4 stars). 2 submissions from 2 submitters: Uncertain significance (2). Last evaluated 2025-02-26.

Conditions:
Inborn genetic diseases. Identifiers: MedGen C0950123, MeSH D030342.

Allele frequency attached by ClinVar (database versions not stated): ExAC 0.00002.
gnomAD v4.1: 3 of 1,613,522 alleles (0.00019%); highest among the groups gnomAD compares: Admixed American, 0.0033%; no homozygotes.

Submissions (2):

Ambry Genetics
Classification: Uncertain significance for Inborn genetic diseases. Last evaluated: 2025-02-26. Review status: criteria provided, single submitter. Criteria: Ambry Variant Classification Scheme 2023. Collection method: clinical testing. Allele origin: germline.

Labcorp Genetics (formerly Invitae), Labcorp
Classification: Uncertain significance. Last evaluated: 2021-12-02. Review status: criteria provided, single submitter. Criteria: Invitae Variant Classification Sherloc (09022015). Collection method: clinical testing. Allele origin: germline.
Comment: This sequence change replaces glycine, which is neutral and non-polar, with tryptophan, which is neutral and slightly polar, at codon 451 of the EARS2 protein (p.Gly451Trp). The frequency data for this variant in the population databases is considered unreliable, as metrics indicate poor data quality at this position in the gnomAD database. This variant has not been reported in the literature in individuals affected with EARS2-related conditions. Algorithms developed to predict the effect of missense changes on protein structure and function are either unavailable or do not agree on the potential impact of this missense change (SIFT: "Deleterious"; PolyPhen-2: "Possibly Damaging"; Align-GVGD: "Class C0"). In summary, the available evidence is currently insufficient to determine the role of this variant in disease. Therefore, it has been classified as a Variant of Uncertain Significance.

NM_001083614.2(EARS2):c.1351G>T (p.Gly451Trp)

Gene: EARS2 (glutamyl-tRNA synthetase 2, mitochondrial; minus strand). Cytogenetic location: 16p12.2.
Variant type: single nucleotide variant.
Coding change: c.1351G>T on transcript NM_001083614.2 (MANE Select); coding-DNA position 1351, G replaced by T.
Protein change: p.Gly451Trp; replaces glycine 451 with tryptophan.
Molecular consequence: missense variant. On other transcripts: non-coding transcript variant (1).
Genome position (GRCh38, 1-based): chr16:23,529,503, C>A on the plus strand (G>T on the coding strand, the complement: EARS2 is on the minus strand). VCF-style: chr16-23529503-C-A. GRCh37 (hg19) VCF-style: chr16-23540824-C-A.
Other names: c.1351G>T, p.Gly451Trp (NM_001308211.1); c.1351G>T (NM_001083614.1); short protein forms G451W.
Identifiers: ClinVar variation 1442988 (VCV001442988.4), dbSNP rs767133394, ClinGen allele CA7962346.